The following is an entry in ClinVar:

ClinVar aggregate classification (germline): Likely benign. Review status: criteria provided, multiple submitters, no conflicts (2 of 4 stars). 3 submissions from 3 submitters: Likely benign (3). Last evaluated 2025-01-26.

Conditions:
Hereditary cancer-predisposing syndrome. Also called: Tumor predisposition; Neoplastic Syndromes, Hereditary; Hereditary Cancer Syndrome; Hereditary neoplastic syndrome. Identifiers: Orphanet 140162, MedGen C0027672, MeSH D009386, MONDO:0015356.
Hereditary breast ovarian cancer syndrome. Also called: Hereditary breast and ovarian cancer syndrome; Hereditary breast and ovarian cancer; Hereditary breast and ovarian cancer syndrome (HBOC); Hereditary breast and/or ovarian cancer syndrome; Breast and ovarian cancer; BRCA1- and BRCA2-Associated Hereditary Breast and Ovarian Cancer. Identifiers: Orphanet 145, MedGen C0677776, MeSH D061325, MONDO:0003582. Disease mechanism: loss of function.

Allele frequency attached by ClinVar (database versions not stated): gnomAD exomes 0.00001; ExAC 0.00002; TOPMed 0.00002.
gnomAD v4.1: 3 of 1,611,122 alleles (0.00019%); highest among the groups gnomAD compares: Middle Eastern, 0.017%; no homozygotes.

Submissions (3):

Labcorp Genetics (formerly Invitae), Labcorp
Classification: Likely benign for Hereditary breast ovarian cancer syndrome. Last evaluated: 2025-01-26. Review status: criteria provided, single submitter. Criteria: Invitae Variant Classification Sherloc (09022015). Collection method: clinical testing. Allele origin: germline.

Women's Health and Genetics/Laboratory Corporation of America, LabCorp
Classification: Likely benign. Last evaluated: 2024-12-17. Review status: criteria provided, single submitter. Criteria: LabCorp Variant Classification Summary - May 2015. Collection method: clinical testing. Allele origin: germline.
Comment: Variant summary: BRCA1 c.593+16C>T alters a non-conserved nucleotide located at a position not widely known to affect splicing. Consensus agreement among computation tools predict no significant impact on normal splicing (TrAP). However, these predictions have yet to be confirmed by functional studies. The variant allele was found at a frequency of 8e-06 in 251192 control chromosomes. The available data on variant occurrences in the general population are insufficient to allow any conclusion about variant significance. To our knowledge, no occurrence of c.593+16C>T in individuals affected with Hereditary Breast And Ovarian Cancer Syndrome and no experimental evidence demonstrating its impact on protein function have been reported. ClinVar contains an entry for this variant (Variation ID: 240827). Based on the evidence outlined above, the variant was classified as likely benign.

Color Diagnostics, LLC DBA Color Health
Classification: Likely benign for Hereditary cancer-predisposing syndrome. Last evaluated: 2018-05-11. Review status: criteria provided, single submitter. Criteria: ACMG Guidelines, 2015. Collection method: clinical testing. Allele origin: germline.

NM_007294.4(BRCA1):c.593+16C>T

Gene: BRCA1 (BRCA1 DNA repair associated; minus strand). Cytogenetic location: 17q21.31.
Variant type: single nucleotide variant.
Coding change: c.593+16C>T on transcript NM_007294.4 (MANE Select); 16 bases into the intron after coding-DNA position 593, C replaced by T.
Molecular consequence: intron variant.
Genome position (GRCh38, 1-based): chr17:43,097,228, G>A on the plus strand (C>T on the coding strand, the complement: BRCA1 is on the minus strand). VCF-style: chr17-43097228-G-A. GRCh37 (hg19) VCF-style: chr17-41249245-G-A.
Other names: c.452+16C>T (NM_001408458.1, NM_001408469.1, NM_001408453.1 and 43 more transcripts); c.-218-2368C>T (NM_001407967.1, NM_001407966.1); c.212+16C>T (NM_001407959.1, NM_001408510.1, NM_001407963.1 and 1 more transcripts); c.404-2368C>T (NM_001407931.1, NM_001407932.1, NM_001408503.1 and 5 more transcripts); c.449+16C>T (NM_001407747.1, NM_001408470.1, NM_001407848.1 and 26 more transcripts); c.209+16C>T (NM_001407962.1); c.167-2368C>T (NM_001408512.1, NM_001407965.1); c.383+16C>T (NM_001407885.1, NM_001407886.1, NM_001407881.1 and 27 more transcripts); and 17 more.
Identifiers: ClinVar variation 240827 (VCV000240827.16), dbSNP rs773139281, ClinGen allele CA056486.
Genomic context (GRCh38, chr17:43,097,228, plus strand): 5'-GAGAGAAACATCAATCCTTAATATTAACTAAATAGGAAAATACCAGCTTCATAGACAAAG[G>A]TTCTCTTTGACTCACCTGCAATAAGTTGCCTTATTAACGGTATCTTCAGAAGAATCAGAT-3'